The following is an entry in ClinVar:

NM_024675.4(PALB2):c.199del (p.Gln66_Leu67insTer)

Gene: PALB2 (partner and localizer of BRCA2; minus strand). Cytogenetic location: 16p12.2.
Variant type: Deletion.
Coding change: c.199del on transcript NM_024675.4 (MANE Select); coding-DNA position 199, one base deleted (C; older notation c.199delC).
Protein change: p.Gln66_Leu67insTer.
Molecular consequence: nonsense. On other transcripts: 5 prime UTR variant (8), intron variant (3).
Genome position (GRCh38, 1-based): chr16:23,637,862, G deleted on the plus strand (C on the coding strand, the reverse complement: PALB2 is on the minus strand). VCF-style (leftmost placement, unchanged base first): chr16-23637861-AG-A. GRCh37 (hg19) VCF-style: chr16-23649182-AG-A.
Other names: c.139del, p.Gln46_Leu47insTer (NM_001407296.1); c.199del, p.Gln66_Leu67insTer (NM_001407297.1, NM_001407298.1, NM_001407299.1 and 3 more transcripts); c.-687del (NM_001407304.1, NM_001407305.1, NM_001407306.1 and 5 more transcripts); c.48+3248del (NM_001407314.1); c.-105+3248del (NM_001407313.1, NM_001407312.1).
Identifiers: ClinVar variation 2674044 (VCV002674044.1), dbSNP rs2506533604, ClinGen allele CA2695197559.

ClinVar aggregate classification (germline): Pathogenic (1 of 4 stars; one submission).

Conditions:
Familial cancer of breast. Also called: Hereditary breast cancer; BREAST CANCER, FAMILIAL; hereditary breast carcinoma. Identifiers: Orphanet 227535, MedGen C0346153, MONDO:0016419, OMIM 114480. Disease mechanism: loss of function.

Submission:

Myriad Genetics, Inc.
Classification: Pathogenic for Familial cancer of breast. Last evaluated: 2023-09-06. Review status: criteria provided, single submitter. Criteria: Myriad Autosomal Dominant, Autosomal Recessive and X-Linked Classification Criteria (2023). Collection method: clinical testing. Allele origin: unknown.
Comment: This variant is considered pathogenic. This variant creates a termination codon and is predicted to result in premature protein truncation.